The following is an entry in ClinVar:

ClinVar aggregate classification (germline): Likely benign (1 of 4 stars; one submission).

Allele frequency attached by ClinVar (database versions not stated): TOPMed 0.00056; 1000 Genomes Project 30x 0.00062; ESP Exome Variant Server 0.00075; 1000 Genomes Project 0.00080; gnomAD exomes 0.00110; gnomAD 0.00185; ExAC 0.00203.
gnomAD v4.1: 1,898 of 1,613,668 alleles (0.12%); highest among the groups gnomAD compares: Non-Finnish European, 0.067%; 9 homozygotes.

Submission:

CeGaT Center for Human Genetics Tuebingen
Classification: Likely benign. Last evaluated: 2026-03-01. Review status: criteria provided, single submitter. Criteria: CeGaT Center For Human Genetics Tuebingen Variant Classification Criteria Version 2. Collection method: clinical testing. Allele origin: germline. Affected: yes. Observed: 6 variant alleles.
Comment: DST: BP4, BS2

NM_001374736.1(DST):c.6220T>C (p.Trp2074Arg)

Gene: DST (dystonin; minus strand). Cytogenetic location: 6p12.1.
Variant type: single nucleotide variant.
Coding change: c.6220T>C on transcript NM_001374736.1 (MANE Select); coding-DNA position 6220, T replaced by C.
Protein change: p.Trp2074Arg; replaces tryptophan 2074 with arginine.
Molecular consequence: missense variant. On other transcripts: intron variant (6).
Genome position (GRCh38, 1-based): chr6:56,608,408, A>G on the plus strand (T>C on the coding strand, the complement: DST is on the minus strand). VCF-style: chr6-56608408-A-G. GRCh37 (hg19) VCF-style: chr6-56473206-A-G.
Other names: c.6220T>C, p.Trp2074Arg (NM_001374722.1); c.5587T>C, p.Trp1863Arg (NM_001374729.1); c.6247T>C, p.Trp2083Arg (NM_001374734.1); c.5184+2019T>C (NM_001144769.5); c.4770+2019T>C (NM_001144770.2); c.4650+2019T>C (NM_001374730.1, NM_001386100.1, NM_183380.4); c.3672+2019T>C (NM_015548.5); short protein forms W1863R, W2074R, W2083R.
Identifiers: ClinVar variation 2656670 (VCV002656670.24), dbSNP rs188683866, ClinGen allele CA3869585.